The following is an entry in ClinVar:

ClinVar aggregate classification (germline): Likely benign. Review status: criteria provided, multiple submitters, no conflicts (2 of 4 stars). 2 submissions from 2 submitters: Likely benign (2). Last evaluated 2025-11-22.

Conditions:
Catecholaminergic polymorphic ventricular tachycardia (CVPT). Also called: Catecholamine-induced polymorphic ventricular tachycardia. Identifiers: Orphanet 3286, MedGen C5574922, MONDO:0017990.
Catecholaminergic polymorphic ventricular tachycardia 1. Also called: VENTRICULAR TACHYCARDIA, CATECHOLAMINERGIC POLYMORPHIC, 1, WITH OR WITHOUT ATRIAL DYSFUNCTION AND/OR DILATED CARDIOMYOPATHY; RYR2-Related Catecholaminergic Polymorphic Ventricular Tachycardia; VENTRICULAR TACHYCARDIA, STRESS-INDUCED POLYMORPHIC 1. Identifiers: Orphanet 3286, MedGen C1631597, MONDO:0011484, OMIM 604772.

Allele frequency attached by ClinVar (database versions not stated): gnomAD exomes below 0.00001; gnomAD 0.00001; TOPMed 0.00001.
gnomAD v4.1: 3 of 1,611,888 alleles (0.00019%); highest among the groups gnomAD compares: African/African-American, 0.004%; no homozygotes.

Submissions (2):

Labcorp Genetics (formerly Invitae), Labcorp
Classification: Likely benign for Catecholaminergic polymorphic ventricular tachycardia 1. Last evaluated: 2025-11-22. Review status: criteria provided, single submitter. Criteria: Invitae Variant Classification Sherloc (09022015). Collection method: clinical testing. Allele origin: germline.

All of Us Research Program, National Institutes of Health
Classification: Likely benign for Catecholaminergic polymorphic ventricular tachycardia. Last evaluated: 2024-07-20. Review status: criteria provided, single submitter. Criteria: ACMG Guidelines, 2015. Collection method: clinical testing. Allele origin: germline. Inheritance: Autosomal dominant inheritance. Observed: 1 variant allele, 1 heterozygote.
Comment: This study involves interpretation of variants in research participants for the purpose of population health screening. Participant phenotype was not available at the time of variant classification. Additional details can be found in publication PMID: 35346344, PMCID: PMC8962531

NM_001035.3(RYR2):c.14040T>C (p.Ser4680=)

Gene: RYR2 (ryanodine receptor 2; plus strand). Cytogenetic location: 1q43.
Variant type: single nucleotide variant.
Coding change: c.14040T>C on transcript NM_001035.3 (MANE Select); coding-DNA position 14040, T replaced by C.
Protein change: p.Ser4680=; no amino-acid change (serine 4680 retained).
Molecular consequence: synonymous variant.
Genome position (GRCh38, 1-based): chr1:237,798,120, T>C. VCF-style: chr1-237798120-T-C. GRCh37 (hg19) VCF-style: chr1-237961420-T-C.
Identifiers: ClinVar variation 1581283 (VCV001581283.10), dbSNP rs938907868, ClinGen allele CA39838196.